The following is an entry in ClinVar:

ClinVar aggregate classification (germline): Uncertain significance (1 of 4 stars; one submission).

Allele frequency attached by ClinVar (database versions not stated): gnomAD exomes 0.00001; ExAC 0.00001.
gnomAD v4.1: 7 of 1,613,992 alleles (0.00043%); highest among the groups gnomAD compares: Non-Finnish European, 0.00059%; no homozygotes.

Submission:

Labcorp Genetics (formerly Invitae), Labcorp
Classification: Uncertain significance. Last evaluated: 2022-05-18. Review status: criteria provided, single submitter. Criteria: Invitae Variant Classification Sherloc (09022015). Collection method: clinical testing. Allele origin: germline.
Comment: In summary, the available evidence is currently insufficient to determine the role of this variant in disease. Therefore, it has been classified as a Variant of Uncertain Significance. This sequence change replaces leucine, which is neutral and non-polar, with phenylalanine, which is neutral and non-polar, at codon 350 of the AUTS2 protein (p.Leu350Phe). This variant is present in population databases (rs773774632, gnomAD 0.002%). This variant has not been reported in the literature in individuals affected with AUTS2-related conditions. Algorithms developed to predict the effect of missense changes on protein structure and function (SIFT, PolyPhen-2, Align-GVGD) all suggest that this variant is likely to be tolerated.

NM_015570.4(AUTS2):c.1048C>T (p.Leu350Phe)

Gene: AUTS2 (activator of transcription and developmental regulator AUTS2; plus strand). Cytogenetic location: 7q11.22.
Variant type: single nucleotide variant.
Coding change: c.1048C>T on transcript NM_015570.4 (MANE Select); coding-DNA position 1048, C replaced by T.
Protein change: p.Leu350Phe; replaces leucine 350 with phenylalanine.
Molecular consequence: missense variant.
Genome position (GRCh38, 1-based): chr7:70,763,175, C>T. VCF-style: chr7-70763175-C-T. GRCh37 (hg19) VCF-style: chr7-70228161-C-T.
Other names: c.1048C>T, p.Leu350Phe (NM_001127231.3); short protein forms L350F.
Identifiers: ClinVar variation 2062508 (VCV002062508.4), dbSNP rs773774632, ClinGen allele CA4280542.